The following is an entry in ClinVar:

NM_201384.3(PLEC):c.5329_5330inv (p.Glu1777Ser)

Gene: PLEC (plectin; minus strand). Cytogenetic location: 8q24.3.
Variant type: Inversion.
Coding change: c.5329_5330inv on transcript NM_201384.3 (MANE Select).
Protein change: p.Glu1777Ser; replaces glutamic acid 1777 with serine.
Molecular consequence: missense variant.
Genome position: GRCh38 VCF-style: chr8-143924599-TC-GA. GRCh37 (hg19) VCF-style: chr8-144998767-TC-GA.
Other names: c.5410_5411inv, p.Glu1804Ser (NM_000445.5); c.5287_5288inv, p.Glu1763Ser (NM_201378.4); c.5263_5264inv, p.Glu1755Ser (NM_201379.3); c.5740_5741inv, p.Glu1914Ser (NM_201380.4); c.5233_5234inv, p.Glu1745Ser (NM_201381.3); c.5329_5330inv, p.Glu1777Ser (NM_201382.4); c.5341_5342inv, p.Glu1781Ser (NM_201383.3); short protein forms E1755S, E1777S, E1804S, E1763S, E1781S, E1914S, E1745S.
Identifiers: ClinVar variation 452255 (VCV000452255.4), ClinGen allele CA658657837.
Genomic context (GRCh38, chr8:143,924,599, plus strand): 5'-CGGAACCGGCCGGCCTCGGCCTCCAGCCTCTGCTTGGACTTCTCGCTGGTGGAGCGCGAC[TC>GA]CTCCTCAGCCCTCGCCTTGCTGGCCAGCAGCACCTCCATCTCGGCCCGCACCTTGGCCAG-3'
Protein context (NP_958786.1, residues 1767-1787): LLASKARAEE[Glu1777Ser]SRSTSEKSKQ

ClinVar aggregate classification (germline): Uncertain significance. Review status: criteria provided, multiple submitters, no conflicts (2 of 4 stars). 2 submissions from 2 submitters: Uncertain significance (2). Last evaluated 2023-12-20.

Conditions:
Epidermolysis bullosa simplex 5B, with muscular dystrophy (EBS5B). Also called: EPIDERMOLYSIS BULLOSA SIMPLEX AND LIMB-GIRDLE MUSCULAR DYSTROPHY; Epidermolysis bullosa simplex with muscular dystrophy. Identifiers: Orphanet 257, MedGen C2931072, MONDO:0009181, OMIM 226670.
Epidermolysis bullosa simplex, Ogna type (EBS5A). Also called: EPIDERMOLYSIS BULLOSA SIMPLEX 5A, OGNA TYPE; Pidermolysis bullosa simplex 5A, Ogna type. Identifiers: Orphanet 79401, MedGen C0432317, MONDO:0007555, OMIM 131950.
Epidermolysis bullosa simplex 5C, with pyloric atresia (EBS5C). Also called: PLEC1-Related Epidermolysis Bullosa with Pyloric Atresia; PLEC-Related Epidermolysis Bullosa with Pyloric Atresia; Epidermolysis bullosa simplex with pyloric atresia. Identifiers: Orphanet 158684, MedGen C2677349, MONDO:0012807, OMIM 612138.
Epidermolysis bullosa simplex with nail dystrophy (EBS5D). Identifiers: MedGen C4225309, MONDO:0014661, OMIM 616487.
Autosomal recessive limb-girdle muscular dystrophy type 2Q (LGMDR17). Also called: MUSCULAR DYSTROPHY, LIMB-GIRDLE, AUTOSOMAL RECESSIVE 17. Identifiers: Orphanet 254361, MedGen C3150989, MONDO:0013390, OMIM 613723.

Submissions (2):

Labcorp Genetics (formerly Invitae), Labcorp
Classification: Uncertain significance for Autosomal recessive limb-girdle muscular dystrophy type 2Q; Epidermolysis bullosa simplex, Ogna type; Epidermolysis bullosa simplex with nail dystrophy; Epidermolysis bullosa simplex 5C, with pyloric atresia; Epidermolysis bullosa simplex 5B, with muscular dystrophy. Last evaluated: 2023-12-20. Review status: criteria provided, single submitter. Criteria: Invitae Variant Classification Sherloc (09022015). Collection method: clinical testing. Allele origin: germline.
Comment: This sequence change replaces glutamic acid, which is acidic and polar, with serine, which is neutral and polar, at codon 1804 of the PLEC protein (p.Glu1804Ser). This variant is present in population databases (no rsID available, gnomAD 0.002%). This variant has not been reported in the literature in individuals affected with PLEC-related conditions. ClinVar contains an entry for this variant (Variation ID: 452255). Experimental studies and prediction algorithms are not available or were not evaluated, and the functional significance of this variant is currently unknown. In summary, the available evidence is currently insufficient to determine the role of this variant in disease. Therefore, it has been classified as a Variant of Uncertain Significance.

GeneDx
Classification: Uncertain significance. Last evaluated: 2017-09-18. Review status: criteria provided, single submitter. Criteria: GeneDx Variant Classification (06012015). Collection method: clinical testing. Allele origin: germline. Affected: yes.
Comment: A variant of uncertain significance has been identified in the PLEC gene. The c.5410_5411delGAinsTC variant has not been published as a pathogenic variant, nor has it been reported as a benign variant to our knowledge. The c.5410_5411delGAinsTC variant is not observed in large population cohorts (Lek et al., 2016). The c.5410_5411delGAinsTC variant results in an in-frame change of a single Glutamic acid residue to a Serine residue, denoted p.Glu1804Ser. The c.5410_5411delGAinsTC variant is a semi-conservative amino acid substitution, which may impact secondary protein structure as these residues differ in some properties. This substitution occurs at a position that is conserved in mammals. However, in silico analysis is inconsistent in its predictions as to whether or not the variant is damaging to the protein structure/function. Therefore, based on the currently available information, it is unclear whether this variant is a pathogenic variant or a rare benign variant.